The following is an entry in ClinVar:

NM_000059.4(BRCA2):c.3265C>T (p.Gln1089Ter)

Gene: BRCA2 (BRCA2 DNA repair associated; plus strand). Cytogenetic location: 13q13.1.
Variant type: single nucleotide variant.
Coding change: c.3265C>T on transcript NM_000059.4 (MANE Select); coding-DNA position 3265, C replaced by T.
Protein change: p.Gln1089Ter; replaces glutamine 1089 with a stop codon.
Molecular consequence: nonsense.
Genome position (GRCh38, 1-based): chr13:32,337,620, C>T. VCF-style: chr13-32337620-C-T. GRCh37 (hg19) VCF-style: chr13-32911757-C-T.
Other names: short protein forms Q1089*.
Identifiers: ClinVar variation 51438 (VCV000051438.25), dbSNP rs80358573, ClinGen allele CA017668.

ClinVar aggregate classification (germline): Pathogenic. Review status: reviewed by expert panel (3 of 4 stars). 11 submissions from 11 submitters: Pathogenic (1). 10 of the submissions do not count toward it. Last evaluated 2016-09-08.

Conditions:
Pancreatic cancer, susceptibility to, 2. Identifiers: Orphanet 1333, MedGen C3150546, MONDO:0013235, OMIM 613347.
Glioma susceptibility 3 (GLM3). Also called: Glioblastoma 3. Identifiers: Orphanet 182067, Orphanet 360, MedGen C2751641, MONDO:0013093, OMIM 613029.
Familial prostate cancer. Also called: Hereditary Prostate Cancer. Identifiers: MedGen C2931456, MONDO:0700275, OMIM 176807.
Breast-ovarian cancer, familial, susceptibility to, 2 (BROVCA2). Also called: BRCA2 Hereditary Breast and Ovarian Cancer. Identifiers: Orphanet 145, MedGen C2675520, MONDO:0012933, OMIM 612555. Disease mechanism: loss of function.
Fanconi anemia complementation group D1. Also called: BRCA2-Related Fanconi Anemia. Identifiers: Orphanet 319462, MedGen C1838457, MONDO:0011584, OMIM 605724.
Medulloblastoma (MDB). Also called: Medulloblastoma, somatic; MEDULLOBLASTOMA PREDISPOSITION SYNDROME. Identifiers: Orphanet 616, MedGen C0025149, MeSH D008527, MONDO:0007959, OMIM 155255, HP:0002885.
Wilms tumor 1 (WT1). Also called: Wilms tumor, somatic. Identifiers: Orphanet 654, MedGen CN033288, MONDO:0008679, OMIM 194070.
Familial cancer of breast. Also called: BREAST CANCER, FAMILIAL; hereditary breast carcinoma; Hereditary breast cancer. Identifiers: Orphanet 227535, MedGen C0346153, MONDO:0016419, OMIM 114480. Disease mechanism: loss of function.
Hereditary cancer-predisposing syndrome. Also called: Neoplastic Syndromes, Hereditary; Tumor predisposition; Hereditary Cancer Syndrome; Hereditary neoplastic syndrome. Identifiers: Orphanet 140162, MedGen C0027672, MeSH D009386, MONDO:0015356.
Hereditary breast ovarian cancer syndrome. Also called: Breast and ovarian cancer; Hereditary breast and ovarian cancer; Hereditary breast and ovarian cancer syndrome (HBOC); Hereditary breast and ovarian cancer syndrome; BRCA1- and BRCA2-Associated Hereditary Breast and Ovarian Cancer; Hereditary breast and/or ovarian cancer syndrome. Identifiers: Orphanet 145, MedGen C0677776, MeSH D061325, MONDO:0003582. Disease mechanism: loss of function.
Breast-ovarian cancer, familial, susceptibility to, 1 (BROVCA1). Also called: BRCA1 Hereditary Breast and Ovarian Cancer; OVARIAN CANCER, SUSCEPTIBILITY TO. Identifiers: Orphanet 145, MedGen C2676676, MONDO:0011450, OMIM 604370. Disease mechanism: loss of function.

Submissions (11):

Evidence-based Network for the Interpretation of Germline Mutant Alleles (ENIGMA)
Classification: Pathogenic for Breast-ovarian cancer, familial, susceptibility to, 2. Last evaluated: 2016-09-08. Review status: reviewed by expert panel. Criteria: ENIGMA BRCA1/2 Classification Criteria (2015). Collection method: curation. Allele origin: germline.
Comment: Variant allele predicted to encode a truncated non-functional protein.

Dasa
Classification: Pathogenic for Breast-ovarian cancer, familial, susceptibility to, 2. Last evaluated: 2025-07-14. Review status: criteria provided, single submitter. Criteria: DASA Assertion Criteria. Collection method: clinical testing. Allele origin: germline. Not counted in ClinVar's aggregate classification.
Comment: NM_000059.4(BRCA2):c.3265C>T (p.Gln1089*) introduces a premature termination codon predicted to result in loss of normal protein function. Loss-of-function is an established mechanism of disease for this gene. The affected residue or protein region has prior evidence supporting clinical relevance. The variant is present at low frequency in population datasets. Based on the available data, this variant is classified as pathogenic.

Labcorp Genetics (formerly Invitae), Labcorp
Classification: Pathogenic for Hereditary breast ovarian cancer syndrome. Last evaluated: 2024-07-17. Review status: criteria provided, single submitter. Criteria: Invitae Variant Classification Sherloc (09022015). Collection method: clinical testing. Allele origin: germline. Not counted in ClinVar's aggregate classification.
Comment: This sequence change creates a premature translational stop signal (p.Gln1089*) in the BRCA2 gene. It is expected to result in an absent or disrupted protein product. Loss-of-function variants in BRCA2 are known to be pathogenic (PMID: 20104584). This variant is not present in population databases (gnomAD no frequency). This premature translational stop signal has been observed in individual(s) with hereditary breast and ovarian cancer (PMID: 21232165, 29446198). This variant is also known as 3493C>T. ClinVar contains an entry for this variant (Variation ID: 51438). For these reasons, this variant has been classified as Pathogenic.

Ambry Genetics
Classification: Pathogenic for Hereditary cancer-predisposing syndrome. Last evaluated: 2024-06-17. Review status: criteria provided, single submitter. Criteria: Ambry Variant Classification Scheme 2023. Collection method: clinical testing. Allele origin: germline. Not counted in ClinVar's aggregate classification.
Comment: The p.Q1089* pathogenic mutation (also known as c.3265C>T), located in coding exon 10 of the BRCA2 gene, results from a C to T substitution at nucleotide position 3265. This changes the amino acid from a glutamine to a stop codon within coding exon 10. This alteration was identified in several studies of families with breast and/or ovarian cancer (Stegel V et al. BMC Med. Genet. 2011 Jan;12:9; 12:9; Cvelbar M et al. Radiol. Oncol., 2017 Jun;51:187-194; Rebbeck TR et al. Hum. Mutat., 2018 05;39:593-620). This variant is considered to be rare based on population cohorts in the Genome Aggregation Database (gnomAD). In addition to the clinical data presented in the literature, this alteration is expected to result in loss of function by premature protein truncation or nonsense-mediated mRNA decay. As such, this alteration is interpreted as a disease-causing mutation.

Department of Clinical Genetics, Copenhagen University Hospital, Rigshospitalet
Classification: Pathogenic for Breast-ovarian cancer, familial, susceptibility to, 2. Last evaluated: 2024-05-27. Review status: criteria provided, single submitter. Criteria: ACMG Guidelines, 2015. Collection method: clinical testing. Allele origin: germline. Affected: yes. Not counted in ClinVar's aggregate classification.
Comment: PVS1; PM2_supporting; PM5_PTC_Strong

Baylor Genetics
Classification: Pathogenic for Familial cancer of breast. Last evaluated: 2023-11-30. Review status: criteria provided, single submitter. Criteria: ACMG Guidelines, 2015. Collection method: clinical testing. Allele origin: unknown. Not counted in ClinVar's aggregate classification.

Department of Molecular Diagnostics, Institute of Oncology Ljubljana
Classification: Pathogenic for Breast-ovarian cancer, familial, susceptibility to, 1. Last evaluated: 2020-04-02. Review status: criteria provided, single submitter. Criteria: ACMG Guidelines, 2015. Collection method: clinical testing. Allele origin: germline. Affected: yes. Not counted in ClinVar's aggregate classification.

Human Genome Sequencing Center Clinical Lab, Baylor College of Medicine
Classification: Pathogenic for Familial breast-ovarian cancer 2. Last evaluated: 2019-02-01. Review status: criteria provided, single submitter. Criteria: ACMG Guidelines, 2015. Collection method: clinical testing. Allele origin: germline. Not counted in ClinVar's aggregate classification.
Comment: The c.3265C>T (p.Gln1089*) variant in the BRCA2 gene is predicted to introduce a premature translation termination codon. It has been reported in one individual affected with breast cancer (PMID 21232165) and has not been observed in general population databases. Therefore, this c.3265C>T (p.Gln1089*) variant in the BRCA2 gene is classified as pathogenic.

Consortium of Investigators of Modifiers of BRCA1/2 (CIMBA), c/o University of Cambridge
Classification: Pathogenic for Breast-ovarian cancer, familial, susceptibility to, 2. Last evaluated: 2015-10-02. Review status: criteria provided, single submitter. Criteria: CIMBA Mutation Classification guidelines May 2016. Collection method: clinical testing. Allele origin: germline. Not counted in ClinVar's aggregate classification.

Juno Genomics, Hangzhou Juno Genomics, Inc
Classification: Pathogenic for Familial cancer of breast; Breast-ovarian cancer, familial, susceptibility to, 2; Glioma susceptibility 3; Medulloblastoma; Pancreatic cancer, susceptibility to, 2; Familial prostate cancer; Fanconi anemia complementation group D1; Wilms tumor 1. Review status: criteria provided, single submitter. Criteria: ACMG Guidelines, 2015. Collection method: clinical testing. Allele origin: germline. Not counted in ClinVar's aggregate classification.
Comment: Absent from controls (or at extremely low frequency if recessive) in Genome Aggregation Database.;Null variant in a gene where loss of function (LOF) is a known mechanism of disease.;The prevalence of the variant in affected individuals is significantly increased compared to the prevalence in controls.

Breast Cancer Information Core (BIC) (BRCA2)
Classification: Pathogenic for Breast-ovarian cancer, familial 2. Last evaluated: 2002-06-20. Review status: no assertion criteria provided. Collection method: clinical testing. Allele origin: germline. Affected: yes. Observed: 1 variant allele. Not counted in ClinVar's aggregate classification.

Literature cited by the submitters: PubMed 20104584 (cited by Labcorp Genetics (formerly Invitae), Labcorp); PubMed 21232165 (cited by Labcorp Genetics (formerly Invitae), Labcorp and Ambry Genetics); PubMed 29446198 (cited by Labcorp Genetics (formerly Invitae), Labcorp and Ambry Genetics); PubMed 12461697 (cited by Ambry Genetics); PubMed 28740454 (cited by Ambry Genetics); PubMed 31209999 (cited by Ambry Genetics).